The following is an entry in ClinVar:

ClinVar aggregate classification (germline): Uncertain significance (1 of 4 stars; one submission).

Conditions:
Pheochromocytoma/paraganglioma syndrome 4. Also called: SDHB-Related Hereditary Paraganglioma-Pheochromocytoma Syndrome (Paragangliomas 4); SDHB-Related Hereditary Paraganglioma-Pheochromocytoma Syndrome; CAROTID BODY TUMORS AND MULTIPLE EXTRAADRENAL PHEOCHROMOCYTOMAS; PARAGANGLIOMA, FAMILIAL MALIGNANT; PARAGANGLIOMAS, HEREDITARY EXTRAADRENAL; PHEOCHROMOCYTOMA, FAMILIAL EXTRAADRENAL. Identifiers: Orphanet 29072, MedGen C1861848, MONDO:0007273, OMIM 115310.
Pheochromocytoma. Also called: MAX-Related Hereditary Paraganglioma-Pheochromocytoma Syndrome. Identifiers: Orphanet 29072, MedGen C0031511, MONDO:0008233, OMIM 171300, HP:0002666.
Gastrointestinal stromal tumor. Also called: Gastrointestinal stromal tumor, somatic; Gastrointestinal stroma tumor. Identifiers: Orphanet 44890, MedGen C0238198, MeSH D046152, MONDO:0011719, OMIM 606764, HP:0100723.

Submission:

Labcorp Genetics (formerly Invitae), Labcorp
Classification: Uncertain significance for Gastrointestinal stromal tumor; Pheochromocytoma/paraganglioma syndrome 4; Pheochromocytoma. Last evaluated: 2021-08-28. Review status: criteria provided, single submitter. Criteria: Invitae Variant Classification Sherloc (09022015). Collection method: clinical testing. Allele origin: germline.
Comment: In summary, the available evidence is currently insufficient to determine the role of this variant in disease. Therefore, it has been classified as a Variant of Uncertain Significance. Algorithms developed to predict the effect of missense changes on protein structure and function are either unavailable or do not agree on the potential impact of this missense change (SIFT: "Deleterious"; PolyPhen-2: "Benign"; Align-GVGD: "Class C0"). This variant has not been reported in the literature in individuals affected with SDHB-related conditions. This variant is not present in population databases (ExAC no frequency). This sequence change replaces methionine with isoleucine at codon 103 of the SDHB protein (p.Met103Ile). The methionine residue is highly conserved and there is a small physicochemical difference between methionine and isoleucine.

NM_003000.3(SDHB):c.309G>A (p.Met103Ile)

Gene: SDHB (succinate dehydrogenase complex iron sulfur subunit B; minus strand). Cytogenetic location: 1p36.13.
Variant type: single nucleotide variant.
Coding change: c.309G>A on transcript NM_003000.3 (MANE Select); coding-DNA position 309, G replaced by A.
Protein change: p.Met103Ile; replaces methionine 103 with isoleucine.
Molecular consequence: missense variant.
Genome position (GRCh38, 1-based): chr1:17,028,714, C>T on the plus strand (G>A on the coding strand, the complement: SDHB is on the minus strand). VCF-style: chr1-17028714-C-T. GRCh37 (hg19) VCF-style: chr1-17355209-C-T.
Other names: short protein forms M103I.
Identifiers: ClinVar variation 648617 (VCV000648617.6), dbSNP rs1570948679, ClinGen allele CA338275048.